The following is an entry in ClinVar:

ClinVar aggregate classification (germline): Uncertain significance (1 of 4 stars; one submission).

Conditions:
Inborn genetic diseases. Identifiers: MedGen C0950123, MeSH D030342.

Submission:

Ambry Genetics
Classification: Uncertain significance for Inborn genetic diseases. Last evaluated: 2021-07-08. Review status: criteria provided, single submitter. Criteria: Ambry Variant Classification Scheme 2023. Collection method: clinical testing. Allele origin: germline.
Comment: The c.475_477dupGCA (p.A159dup) alteration is located in exon 3 (coding exon 3) of the PROP1 gene. The alteration consists of an in-frame duplication of 3 nucleotides from position 475 to 477, resulting in the duplication of 1 residue. Based on insufficient or conflicting evidence, the clinical significance of this alteration remains unclear.

NM_006261.5(PROP1):c.472GCA[3] (p.Ala159_Pro160insAla)

Gene: PROP1 (PROP paired-like homeobox 1; minus strand). Cytogenetic location: 5q35.3.
Variant type: Microsatellite.
Coding change: c.472GCA[3] on transcript NM_006261.5 (MANE Select); three copies in a row of the 3-base unit GCA starting at c.472; the reference has two copies in a row; one copy, 3 bases duplicated.
Protein change: p.Ala159_Pro160insAla.
Molecular consequence: inframe insertion.
Genome position (GRCh38, 1-based): chr5:177,992,913-177,992,915, TGC duplicated on the plus strand (GCA on the coding strand, the reverse complement: PROP1 is on the minus strand); duplicating any 3 consecutive bases within chr5:177,992,913-177,992,918 gives the same sequence; the position shown is the placement nearest the transcript's 3' end. VCF-style (leftmost placement, unchanged base first): chr5-177992912-G-GTGC. GRCh37 (hg19) VCF-style: chr5-177419913-G-GTGC.
Identifiers: ClinVar variation 2232090 (VCV002232090.2), dbSNP rs1018819886, ClinGen allele CA132897255.